The following is an entry in ClinVar:

ClinVar aggregate classification (germline): Pathogenic (1 of 4 stars; one submission).

Conditions:
Charcot-Marie-Tooth disease axonal type 2V. Also called: CHARCOT-MARIE-TOOTH NEUROPATHY, TYPE 2V; CHARCOT-MARIE-TOOTH DISEASE, AXONAL, AUTOSOMAL DOMINANT, TYPE 2V. Identifiers: Orphanet 447964, MedGen C5569050, MONDO:0014665, OMIM 616491.
Mucopolysaccharidosis, MPS-III-B (MPS3B). Also called: MPS III B; Mucopolysaccharidosis type IIIB (Sanfilippo B); N-ACETYL-ALPHA-D-GLUCOSAMINIDASE DEFICIENCY; NAGLU DEFICIENCY; SANFILIPPO SYNDROME B; MUCOPOLYSACCHARIDOSIS, TYPE IIIB. Identifiers: Orphanet 79270, MedGen C0086648, MONDO:0009656, OMIM 252920.

Submission:

Labcorp Genetics (formerly Invitae), Labcorp
Classification: Pathogenic for Charcot-Marie-Tooth disease axonal type 2V; Mucopolysaccharidosis, MPS-III-B. Last evaluated: 2020-02-29. Review status: criteria provided, single submitter. Criteria: Invitae Variant Classification Sherloc (09022015). Collection method: clinical testing. Allele origin: germline.
Comment: This sequence change creates a premature translational stop signal (p.Asp24Glyfs*162) in the NAGLU gene. It is expected to result in an absent or disrupted protein product. For these reasons, this variant has been classified as Pathogenic. Loss-of-function variants in NAGLU are known to be pathogenic (PMID: 9832037, 10094189, 16151907). This variant has not been reported in the literature in individuals with NAGLU-related conditions. The frequency data for this variant in the population databases is considered unreliable, as metrics indicate insufficient coverage at this position in the ExAC database.

Literature cited by the submitters: PubMed 9832037; PubMed 10094189; PubMed 16151907.

NM_000263.4(NAGLU):c.71_87del (p.Asp24fs)

Genes: NAGLU (N-acetyl-alpha-glucosaminidase; plus strand), LOC130060903 (ATAC-STARR-seq lymphoblastoid silent region 8533; plus strand). Cytogenetic location: 17q21.2.
Variant type: Deletion.
Coding change: c.71_87del on transcript NM_000263.4 (MANE Select); coding-DNA positions 71 to 87, 17 bases deleted (ACGAGGCCCGGGAGGCG).
Protein change: p.Asp24fs; shifts the reading frame from aspartic acid 24.
Molecular consequence: frameshift variant.
Genome position (GRCh38, 1-based): chr17:42,536,343-42,536,359, ACGAGGCCCGGGAGGCG deleted; deleting any 17 consecutive bases within chr17:42,536,338-42,536,359 gives the same sequence; the c. name uses the placement nearest the transcript's 3' end. VCF-style (leftmost placement, unchanged base first): chr17-42536337-CAGGCGACGAGGCCCGGG-C. GRCh37 (hg19) VCF-style: chr17-40688355-CAGGCGACGAGGCCCGGG-C.
Other names: short protein forms D24fs.
Identifiers: ClinVar variation 1076543 (VCV001076543.7), dbSNP rs2143075470, ClinGen allele CA2499224326.
Genomic context (GRCh38, chr17:42,536,337, plus strand): 5'-AGGCGGTGGCGGTGGCCGCGGCGGTGGGGGTCCTTCTCCTGGCCGGGGCCGGGGGCGCGG[CAGGCGACGAGGCCCGGG>C]AGGCGGCGGCCGTGCGGGCGCTCGTGGCCCGGCTGCTGGGGCCAGGCCCCGCGGCCGACT-3'